The following is an entry in ClinVar:

ClinVar aggregate classification (germline): Benign. Review status: criteria provided, multiple submitters, no conflicts (2 of 4 stars). 16 submissions from 16 submitters: Benign (12). 4 of the submissions do not count toward it. Last evaluated 2026-02-04.

Conditions:
Cardiovascular phenotype. Identifiers: MedGen CN230736.
Hypertrophic cardiomyopathy 15. Identifiers: MedGen C2750459, MONDO:0013200, OMIM 613255.
Dilated cardiomyopathy 1W (CMD1W). Identifiers: Orphanet 154, MedGen C1969639, MONDO:0012667, OMIM 611407.

Allele frequency attached by ClinVar (database versions not stated): 1000 Genomes Project 0.62300; 1000 Genomes Project 30x 0.63304; gnomAD exomes 0.66930 and 0.70910; ExAC 0.67339; gnomAD 0.73000 and 0.74148; TOPMed 0.73118; ESP Exome Variant Server 0.76242.
gnomAD v4.1: 1,148,160 of 1,613,952 alleles (71%); highest among the groups gnomAD compares: Middle Eastern, 83%; 414,207 homozygotes.

Submissions (16):

Labcorp Genetics (formerly Invitae), Labcorp
Classification: Benign for Dilated cardiomyopathy 1W. Last evaluated: 2026-02-04. Review status: criteria provided, single submitter. Criteria: Invitae Variant Classification Sherloc (09022015). Collection method: clinical testing. Allele origin: germline.

Molecular Diagnostic Laboratory for Inherited Cardiovascular Disease, Montreal Heart Institute
Classification: Benign. Last evaluated: 2025-04-09. Review status: criteria provided, single submitter. Criteria: ACMG Guidelines, 2015. Collection method: clinical testing. Allele origin: germline. Affected: no.

Blueprint Genetics
Classification: Benign. Last evaluated: 2024-11-27. Review status: criteria provided, single submitter. Criteria: ACMG Guidelines, 2015. Collection method: clinical testing. Allele origin: germline.

Genome-Nilou Lab
Classification: Benign for Hypertrophic cardiomyopathy 15. Last evaluated: 2021-12-05. Review status: criteria provided, single submitter. Criteria: ACMG Guidelines, 2015. Collection method: clinical testing. Allele origin: germline. Affected: no.

Mendelics
Classification: Benign for Dilated cardiomyopathy 1W. Last evaluated: 2019-05-28. Review status: criteria provided, single submitter. Criteria: Mendelics Assertion Criteria 2017. Collection method: clinical testing. Allele origin: unknown.

Illumina Laboratory Services, Illumina
Classification: Benign for Dilated cardiomyopathy 1W. Last evaluated: 2018-01-13. Review status: criteria provided, single submitter. Criteria: ICSL Variant Classification Criteria 13 December 2019. Collection method: clinical testing. Allele origin: germline.
Comment: This variant was observed in the ICSL laboratory as part of a predisposition screen in an ostensibly healthy population. It had not been previously curated by ICSL or reported in the Human Gene Mutation Database (HGMD: prior to June 1st, 2018), and was therefore a candidate for classification through an automated scoring system. Utilizing variant allele frequency, disease prevalence and penetrance estimates, and inheritance mode, an automated score was calculated to assess if this variant is too frequent to cause the disease. Based on the score and internal cut-off values, a variant classified as benign is not then subjected to further curation. The score for this variant resulted in a classification of benign for this disease.

Ambry Genetics
Classification: Benign for Cardiovascular phenotype. Last evaluated: 2015-03-11. Review status: criteria provided, single submitter. Criteria: Ambry Variant Classification Scheme 2023. Collection method: clinical testing. Allele origin: germline.

Mayo Clinic Laboratories, Mayo Clinic
Classification: Benign. Last evaluated: 2014-02-25. Review status: criteria provided, single submitter. Criteria: ACMG Guidelines, 2015. Collection method: clinical testing. Allele origin: germline. Observed: 1,486 variant alleles.

GeneDx
Classification: Benign. Last evaluated: 2012-11-01. Review status: criteria provided, single submitter. Criteria: GeneDx Variant Classification (06012015). Collection method: clinical testing. Allele origin: germline. Affected: yes.
Comment: This variant is considered likely benign or benign based on one or more of the following criteria: it is a conservative change, it occurs at a poorly conserved position in the protein, it is predicted to be benign by multiple in silico algorithms, and/or has population frequency not consistent with disease.

Laboratory for Molecular Medicine, Mass General Brigham Personalized Medicine
Classification: Benign. Last evaluated: 2011-07-20. Review status: criteria provided, single submitter. Criteria: LMM Criteria. Collection method: clinical testing. Allele origin: germline. Observed: 1,761 variant alleles.

Breakthrough Genomics
Classification: Benign. Review status: criteria provided, single submitter. Criteria: ACMG Guidelines, 2015. Collection method: not provided. Allele origin: germline. Inheritance: Autosomal dominant inheritance. Affected: yes.

PreventionGenetics, part of Exact Sciences
Classification: Benign. Review status: criteria provided, single submitter. Criteria: ACMG Guidelines, 2015. Collection method: clinical testing. Allele origin: germline.

Clinical Genetics DNA and cytogenetics Diagnostics Lab, Erasmus MC, Erasmus Medical Center
Classification: Benign. Review status: no assertion criteria provided. Collection method: clinical testing. Allele origin: germline. Affected: yes. Study: VKGL Data-share Consensus. Not counted in ClinVar's aggregate classification.

Clinical Genetics, Academic Medical Center
Classification: Benign. Review status: no assertion criteria provided. Collection method: clinical testing. Allele origin: germline. Affected: yes. Study: VKGL Data-share Consensus. Not counted in ClinVar's aggregate classification.

Diagnostic Laboratory, Department of Genetics, University Medical Center Groningen
Classification: Benign. Review status: no assertion criteria provided. Collection method: clinical testing. Allele origin: germline. Affected: yes. Study: VKGL Data-share Consensus. Not counted in ClinVar's aggregate classification.

Joint Genome Diagnostic Labs from Nijmegen and Maastricht, Radboudumc and MUMC+
Classification: Benign. Review status: no assertion criteria provided. Collection method: clinical testing. Allele origin: germline. Affected: yes. Study: VKGL Data-share Consensus. Not counted in ClinVar's aggregate classification.

NM_014000.3(VCL):c.2814C>G (p.Gly938=)

Gene: VCL (vinculin; plus strand). Cytogenetic location: 10q22.2.
Variant type: single nucleotide variant.
Coding change: c.2814C>G on transcript NM_014000.3 (MANE Select); coding-DNA position 2814, C replaced by G.
Protein change: p.Gly938=; no amino-acid change (glycine 938 retained).
Molecular consequence: synonymous variant. On other transcripts: intron variant (1).
Genome position (GRCh38, 1-based): chr10:74,111,977, C>G. VCF-style: chr10-74111977-C-G. GRCh37 (hg19) VCF-style: chr10-75871735-C-G.
Other names: p.G938G:GGC>GGG; p.Gly938=; c.2746-2207C>G (NM_003373.4).
Identifiers: ClinVar variation 45600 (VCV000045600.36), dbSNP rs2131956, ClinGen allele CA136755.